The following is an entry in ClinVar:

ClinVar aggregate classification (germline): Uncertain significance (1 of 4 stars; one submission).

Conditions:
Leigh syndrome (NULS). Also called: Leigh's necrotizing encephalopathy; Leigh's disease; Leigh Syndrome (mtDNA deletion); Leigh Disease; Subacute necrotizing encephalopathy; Necrotizing encephalopathy infantile subacute of Leigh. Identifiers: Orphanet 506, MedGen C2931891, MONDO:0009723, OMIM 256000.

Submission:

Wong Mito Lab, Molecular and Human Genetics, Baylor College of Medicine
Classification: Uncertain significance for Leigh syndrome. Last evaluated: 2019-10-17. Review status: criteria provided, single submitter. Criteria: Modified ACMG Guidelines (Unpublished). Collection method: clinical testing. Allele origin: germline.
Comment: The NC_012920.1:m.7138T>C (YP_003024028.1:p.Ile412Thr) variant in MTCO1 gene is interpretated to be a Uncertain Significance variant based on the modified ACMG guidelines (unpublished). This variant meets the following evidence codes: PP6, BP4, BP5

NC_012920.1(MT-CO1):m.7138T>C

Gene: MT-CO1 (mitochondrially encoded cytochrome c oxidase I; plus strand).
Variant type: single nucleotide variant.
Genome position: chrM-7138-T-C.
Identifiers: ClinVar variation 692703 (VCV000692703.1), dbSNP rs1603220794, ClinGen allele CA414791482.